The following is an entry in ClinVar:

ClinVar aggregate classification (germline): Benign (1 of 4 stars; one submission).

Conditions:
Pseudohypoparathyroidism type 1B (PHP1B). Also called: PHP IB; Pseudohypoparathyroidism Ib (PHP-Ib); Pseudohypoparathyroidism Type IB. Identifiers: Orphanet 94089, MedGen C1864100, MONDO:0011301, OMIM 603233.

Allele frequency attached by ClinVar (database versions not stated): TOPMed 0.00217; 1000 Genomes Project 30x 0.00250; 1000 Genomes Project 0.00300.

Submission:

Illumina Laboratory Services, Illumina
Classification: Benign for Pseudohypoparathyroidism type 1B. Last evaluated: 2018-01-12. Review status: criteria provided, single submitter. Criteria: ICSL Variant Classification Criteria 13 December 2019. Collection method: clinical testing. Allele origin: germline.
Comment: This variant was observed in the ICSL laboratory as part of a predisposition screen in an ostensibly healthy population. It had not been previously curated by ICSL or reported in the Human Gene Mutation Database (HGMD: prior to June 1st, 2018), and was therefore a candidate for classification through an automated scoring system. Utilizing variant allele frequency, disease prevalence and penetrance estimates, and inheritance mode, an automated score was calculated to assess if this variant is too frequent to cause the disease. Based on the score and internal cut-off values, a variant classified as benign is not then subjected to further curation. The score for this variant resulted in a classification of benign for this disease.

NM_001001433.3(STX16):c.*2962C>T

Genes: STX16 (syntaxin 16; plus strand), STX16-NPEPL1 (STX16-NPEPL1 readthrough (NMD candidate); plus strand). Cytogenetic location: 20q13.32.
Variant type: single nucleotide variant.
Coding change: c.*2962C>T on transcript NM_001001433.3 (MANE Select); 2962 bases downstream of the stop codon, C replaced by T.
Molecular consequence: 3 prime UTR variant. On other transcripts: non-coding transcript variant (3).
Genome position (GRCh38, 1-based): chr20:58,679,253, C>T. VCF-style: chr20-58679253-C-T. GRCh37 (hg19) VCF-style: chr20-57254309-C-T.
Other names: c.*2962C>T (NM_001134772.3, NM_001134773.3, NM_001204868.2 and 1 more transcripts).
Identifiers: ClinVar variation 339110 (VCV000339110.5), dbSNP rs192204838, ClinGen allele CA10644253.